The following is an entry in ClinVar:

NM_017617.5(NOTCH1):c.6777T>C (p.Gly2259=)

Gene: NOTCH1 (notch receptor 1; minus strand). Cytogenetic location: 9q34.3.
Variant type: single nucleotide variant.
Coding change: c.6777T>C on transcript NM_017617.5 (MANE Select); coding-DNA position 6777, T replaced by C.
Protein change: p.Gly2259=; no amino-acid change (glycine 2259 retained).
Molecular consequence: synonymous variant.
Genome position (GRCh38, 1-based): chr9:136,496,962, A>G on the plus strand (T>C on the coding strand, the complement: NOTCH1 is on the minus strand). VCF-style: chr9-136496962-A-G. GRCh37 (hg19) VCF-style: chr9-139391414-A-G.
Other names: p.Gly2259=; c.6777T>C, p.Gly2259= (LRG_1122t1); c.6777T>C (NM_017617.4).
Identifiers: ClinVar variation 196914 (VCV000196914.30), dbSNP rs61751490, ClinGen allele CA202633.

ClinVar aggregate classification (germline): Benign/Likely benign. Review status: criteria provided, multiple submitters, no conflicts (2 of 4 stars). 14 submissions from 13 submitters: Benign (10); Likely benign (1). 3 of the submissions do not count toward it. Last evaluated 2026-01-31.

Conditions:
NOTCH1-related disorder. Also called: NOTCH1-related condition; NOTCH1-related disorders.
Adams-Oliver syndrome 5 (AOS5). Identifiers: Orphanet 974, MedGen C4014970, MONDO:0014459, OMIM 616028.
Familial thoracic aortic aneurysm and aortic dissection (TAAD). Also called: Thoracic aortic aneurysms and dissections. Identifiers: Orphanet 91387, MedGen C4707243, MONDO:0019625.
Aortic valve disease 1 (AOVD1). Identifiers: MedGen C3887892, MONDO:0024523, OMIM 109730.

Allele frequency attached by ClinVar (database versions not stated): gnomAD exomes 0.00056 and 0.00139; ExAC 0.00174; ESP Exome Variant Server 0.00574; gnomAD 0.00598 and 0.00638; 1000 Genomes Project 0.00619; TOPMed 0.00644; 1000 Genomes Project 30x 0.00687.
gnomAD v4.1: 1,765 of 1,609,914 alleles (0.11%); highest among the groups gnomAD compares: African/African-American, 2.1%; 17 homozygotes.

Submissions (14):

Labcorp Genetics (formerly Invitae), Labcorp
Classification: Benign for Adams-Oliver syndrome 5. Last evaluated: 2026-01-31. Review status: criteria provided, single submitter. Criteria: Invitae Variant Classification Sherloc (09022015). Collection method: clinical testing. Allele origin: germline.

Blueprint Genetics
Classification: Likely benign. Last evaluated: 2024-11-27. Review status: criteria provided, single submitter. Criteria: ACMG Guidelines, 2015. Collection method: clinical testing. Allele origin: germline.

Mayo Clinic Laboratories, Mayo Clinic
Classification: Benign. Last evaluated: 2024-09-23. Review status: criteria provided, single submitter. Criteria: ACMG Guidelines, 2015. Collection method: clinical testing. Allele origin: germline. Observed: 4 variant alleles.
Comment: BS1, BS2, BP4, BP7

Women's Health and Genetics/Laboratory Corporation of America, LabCorp
Classification: Benign. Last evaluated: 2023-07-21. Review status: criteria provided, single submitter. Criteria: LabCorp Variant Classification Summary - May 2015. Collection method: clinical testing. Allele origin: germline.

Genome-Nilou Lab
Classification: Benign for Adams-Oliver syndrome 5. Last evaluated: 2022-03-15. Review status: criteria provided, single submitter. Criteria: ACMG Guidelines, 2015. Collection method: clinical testing. Allele origin: germline. Affected: no.

Genome-Nilou Lab
Classification: Benign for Aortic valve disease 1. Last evaluated: 2022-03-15. Review status: criteria provided, single submitter. Criteria: ACMG Guidelines, 2015. Collection method: clinical testing. Allele origin: germline. Affected: no.

GeneDx
Classification: Benign. Last evaluated: 2016-12-06. Review status: criteria provided, single submitter. Criteria: GeneDx Variant Classification (06012015). Collection method: clinical testing. Allele origin: germline. Affected: yes.
Comment: This variant is considered likely benign or benign based on one or more of the following criteria: it is a conservative change, it occurs at a poorly conserved position in the protein, it is predicted to be benign by multiple in silico algorithms, and/or has population frequency not consistent with disease.

CHEO Genetics Diagnostic Laboratory, Children's Hospital of Eastern Ontario
Classification: Benign for Familial thoracic aortic aneurysm and aortic dissection. Last evaluated: 2016-11-08. Review status: criteria provided, single submitter. Criteria: ACMG Guidelines, 2015. Collection method: clinical testing. Allele origin: germline. Study: Canadian Open Genetics Repository.

Ambry Genetics
Classification: Benign for Familial thoracic aortic aneurysm and aortic dissection. Last evaluated: 2016-02-05. Review status: criteria provided, single submitter. Criteria: Ambry Variant Classification Scheme 2023. Collection method: clinical testing. Allele origin: germline.

Eurofins Ntd Llc (ga)
Classification: Benign. Last evaluated: 2015-05-22. Review status: criteria provided, single submitter. Criteria: EGL Classification Definitions 2015. Collection method: clinical testing. Allele origin: germline. Observed: 1 variant allele, 1 heterozygote.

Breakthrough Genomics
Classification: Benign. Review status: criteria provided, single submitter. Criteria: ACMG Guidelines, 2015. Collection method: not provided. Allele origin: germline. Inheritance: Autosomal dominant inheritance. Affected: yes.

PreventionGenetics, part of Exact Sciences
Classification: Benign for NOTCH1-related condition. Last evaluated: 2019-08-09. Review status: no assertion criteria provided. Collection method: clinical testing. Allele origin: germline. Not counted in ClinVar's aggregate classification.
Comment: This variant is classified as benign based on ACMG/AMP sequence variant interpretation guidelines (Richards et al. 2015 PMID: 25741868, with internal and published modifications).

Clinical Genetics DNA and cytogenetics Diagnostics Lab, Erasmus MC, Erasmus Medical Center
Classification: Benign. Review status: no assertion criteria provided. Collection method: clinical testing. Allele origin: germline. Affected: yes. Study: VKGL Data-share Consensus. Not counted in ClinVar's aggregate classification.

Genome Diagnostics Laboratory, Amsterdam University Medical Center
Classification: Benign. Review status: no assertion criteria provided. Collection method: clinical testing. Allele origin: germline. Affected: yes. Study: VKGL Data-share Consensus. Not counted in ClinVar's aggregate classification.

Literature cited by the submitters: PubMed 24943832 (cited by Women's Health and Genetics/Laboratory Corporation of America, LabCorp); PubMed 16614245 (cited by Women's Health and Genetics/Laboratory Corporation of America, LabCorp); PubMed 21670202 (cited by Women's Health and Genetics/Laboratory Corporation of America, LabCorp); PubMed 22210878 (cited by Women's Health and Genetics/Laboratory Corporation of America, LabCorp); PubMed 19635999 (cited by Women's Health and Genetics/Laboratory Corporation of America, LabCorp); PubMed 26837699 (cited by Women's Health and Genetics/Laboratory Corporation of America, LabCorp); PubMed 23086750 (cited by Women's Health and Genetics/Laboratory Corporation of America, LabCorp); PubMed 19245433 (cited by Women's Health and Genetics/Laboratory Corporation of America, LabCorp); PubMed 22077063 (cited by Women's Health and Genetics/Laboratory Corporation of America, LabCorp); PubMed 15472075 (cited by Women's Health and Genetics/Laboratory Corporation of America, LabCorp); PubMed 23734977 (cited by Women's Health and Genetics/Laboratory Corporation of America, LabCorp); PubMed 22858860 (cited by Women's Health and Genetics/Laboratory Corporation of America, LabCorp).